The following is an entry in ClinVar:

ClinVar aggregate classification (germline): Uncertain significance (1 of 4 stars; one submission).

Submission:

GeneDx
Classification: Uncertain significance. Last evaluated: 2024-05-02. Review status: criteria provided, single submitter. Criteria: GeneDx Variant Classification Process June 2021. Collection method: clinical testing. Allele origin: germline. Affected: yes.
Comment: Not observed at significant frequency in large population cohorts (gnomAD); In silico analysis supports that this missense variant has a deleterious effect on protein structure/function; Has not been previously published as pathogenic or benign to our knowledge

NM_000944.5(PPP3CA):c.530C>A (p.Ala177Asp)

Gene: PPP3CA (protein phosphatase 3 catalytic subunit alpha; minus strand). Cytogenetic location: 4q24.
Variant type: single nucleotide variant.
Coding change: c.530C>A on transcript NM_000944.5 (MANE Select); coding-DNA position 530, C replaced by A.
Protein change: p.Ala177Asp; replaces alanine 177 with aspartic acid.
Molecular consequence: missense variant.
Genome position (GRCh38, 1-based): chr4:101,098,479, G>T on the plus strand (C>A on the coding strand, the complement: PPP3CA is on the minus strand). VCF-style: chr4-101098479-G-T. GRCh37 (hg19) VCF-style: chr4-102019636-G-T.
Other names: c.530C>A, p.Ala177Asp (NM_001130691.2, NM_001130692.2); short protein forms A177D.
Identifiers: ClinVar variation 3376036 (VCV003376036.1).